The following is an entry in ClinVar:

NM_023936.2(MRPS34):c.230G>A (p.Gly77Asp)

Genes: EME2 (essential meiotic structure-specific endonuclease subunit 2; plus strand), MRPS34 (mitochondrial ribosomal protein S34; minus strand). Cytogenetic location: 16p13.3.
Variant type: single nucleotide variant.
Coding change: c.230G>A on transcript NM_023936.2 (MANE Select); coding-DNA position 230, G replaced by A.
Protein change: p.Gly77Asp; replaces glycine 77 with aspartic acid.
Molecular consequence: missense variant. On other transcripts: 5 prime UTR variant (1).
Genome position (GRCh38, 1-based): chr16:1,772,890, C>T on the plus strand (G>A on the coding strand, the complement: MRPS34 is on the minus strand). VCF-style: chr16-1772890-C-T. GRCh37 (hg19) VCF-style: chr16-1822891-C-T.
Other names: c.-338C>T (NM_001257370.2); c.230G>A, p.Gly77Asp (NM_001300900.2); short protein forms G77D.
Identifiers: ClinVar variation 2422099 (VCV002422099.6), dbSNP rs1158749659, ClinGen allele CA394244078.
Genomic context (GRCh38, chr16:1,772,890, plus strand): 5'-AGGCGCCAGTAGCACGGCTCGTCGTGCTGCCACAGCCAGGACTTGCGCGTGACCAGGCGG[C>T]CCAGGCCGAAGAGCGGGAGGCGGCCGAGCAGCTGCAAGAGGCGGCTCTCGCGGCGCACGT-3'
Protein context (NP_076425.1, residues 67-87): LLGRLPLFGL[Gly77Asp]RLVTRKSWLW

ClinVar aggregate classification (germline): Uncertain significance (1 of 4 stars; one submission).

Allele frequency attached by ClinVar (database versions not stated): gnomAD exomes below 0.00001; gnomAD 0.00001; TOPMed 0.00001.
gnomAD v4.1: 3 of 1,452,660 alleles (0.00021%); highest among the groups gnomAD compares: South Asian, 0.0014%; no homozygotes.

Submission:

Labcorp Genetics (formerly Invitae), Labcorp
Classification: Uncertain significance. Last evaluated: 2024-10-15. Review status: criteria provided, single submitter. Criteria: Invitae Variant Classification Sherloc (09022015). Collection method: clinical testing. Allele origin: germline.
Comment: This sequence change replaces glycine, which is neutral and non-polar, with aspartic acid, which is acidic and polar, at codon 77 of the MRPS34 protein (p.Gly77Asp). This variant is not present in population databases (gnomAD no frequency). This variant has not been reported in the literature in individuals affected with MRPS34-related conditions. ClinVar contains an entry for this variant (Variation ID: 2422099). An algorithm developed to predict the effect of missense changes on protein structure and function (PolyPhen-2) suggests that this variant is likely to be disruptive. In summary, the available evidence is currently insufficient to determine the role of this variant in disease. Therefore, it has been classified as a Variant of Uncertain Significance.